The following is an entry in ClinVar:

ClinVar aggregate classification (germline): Benign. Review status: criteria provided, multiple submitters, no conflicts (2 of 4 stars). 11 submissions from 11 submitters: Benign (8). 3 of the submissions do not count toward it. Last evaluated 2026-02-04.

Conditions:
VPS13A-related neurodegenerative disease. Also called: LEVINE-CRITCHLEY SYNDROME; Chorea-acanthocytosis; ACANTHOCYTOSIS WITH NEUROLOGIC DISORDER; Choreoacanthocytosis; Choreaacanthocytosis; VPS13A Disease. Identifiers: Orphanet 2388, MedGen C0393576, MONDO:0008695, OMIM 200150.

Allele frequency attached by ClinVar (database versions not stated): 1000 Genomes Project 0.16274; 1000 Genomes Project 30x 0.16552; gnomAD exomes 0.16780 and 0.18905; ExAC 0.18191; TOPMed 0.18403; gnomAD 0.18787 and 0.18911; ESP Exome Variant Server 0.20875.
gnomAD v4.1: 303,978 of 1,613,058 alleles (19%); highest among the groups gnomAD compares: Middle Eastern, 22%; 30,275 homozygotes.

Submissions (11):

Labcorp Genetics (formerly Invitae), Labcorp
Classification: Benign. Last evaluated: 2026-02-04. Review status: criteria provided, single submitter. Criteria: Invitae Variant Classification Sherloc (09022015). Collection method: clinical testing. Allele origin: germline.

Blueprint Genetics
Classification: Benign. Last evaluated: 2024-11-27. Review status: criteria provided, single submitter. Criteria: ACMG Guidelines, 2015. Collection method: clinical testing. Allele origin: germline.

Mayo Clinic Laboratories, Mayo Clinic
Classification: Benign. Last evaluated: 2022-03-24. Review status: criteria provided, single submitter. Criteria: ACMG Guidelines, 2015. Collection method: clinical testing. Allele origin: germline. Observed: 214 variant alleles.

Genome-Nilou Lab
Classification: Benign for VPS13A-related neurodegenerative disease. Last evaluated: 2021-07-10. Review status: criteria provided, single submitter. Criteria: ACMG Guidelines, 2015. Collection method: clinical testing. Allele origin: germline. Affected: no.

GeneDx
Classification: Benign. Last evaluated: 2018-07-17. Review status: criteria provided, single submitter. Criteria: GeneDx Variant Classification Process June 2021. Collection method: clinical testing. Allele origin: germline. Affected: yes.

Athena Diagnostics
Classification: Benign. Last evaluated: 2018-05-07. Review status: criteria provided, single submitter. Criteria: Athena Diagnostics Criteria. Collection method: clinical testing. Allele origin: germline.

Illumina Laboratory Services, Illumina
Classification: Benign for VPS13A-related neurodegenerative disease. Last evaluated: 2018-01-13. Review status: criteria provided, single submitter. Criteria: ICSL Variant Classification Criteria 13 December 2019. Collection method: clinical testing. Allele origin: germline.
Comment: This variant was observed in the ICSL laboratory as part of a predisposition screen in an ostensibly healthy population. It had not been previously curated by ICSL or reported in the Human Gene Mutation Database (HGMD: prior to June 1st, 2018), and was therefore a candidate for classification through an automated scoring system. Utilizing variant allele frequency, disease prevalence and penetrance estimates, and inheritance mode, an automated score was calculated to assess if this variant is too frequent to cause the disease. Based on the score and internal cut-off values, a variant classified as benign is not then subjected to further curation. The score for this variant resulted in a classification of benign for this disease.

Breakthrough Genomics
Classification: Benign. Review status: criteria provided, single submitter. Criteria: ACMG Guidelines, 2015. Collection method: not provided. Allele origin: germline. Inheritance: Autosomal recessive inheritance. Affected: yes.

Natera, Inc.
Classification: Benign for Choreaacanthocytosis. Last evaluated: 2020-09-16. Review status: no assertion criteria provided. Collection method: clinical testing. Allele origin: germline. Not counted in ClinVar's aggregate classification.

Diagnostic Laboratory, Department of Genetics, University Medical Center Groningen
Classification: Benign for VPS13A-related neurodegenerative disease. Review status: no assertion criteria provided. Collection method: clinical testing. Allele origin: germline. Affected: yes. Study: VKGL Data-share Consensus. Not counted in ClinVar's aggregate classification.

Genome Diagnostics Laboratory, Amsterdam University Medical Center
Classification: Benign. Review status: no assertion criteria provided. Collection method: clinical testing. Allele origin: germline. Affected: yes. Study: VKGL Data-share Consensus. Not counted in ClinVar's aggregate classification.

NM_033305.3(VPS13A):c.6492T>C (p.Asp2164=)

Gene: VPS13A (vacuolar protein sorting 13 homolog A; plus strand). Cytogenetic location: 9q21.2.
Variant type: single nucleotide variant.
Coding change: c.6492T>C on transcript NM_033305.3 (MANE Select); coding-DNA position 6492, T replaced by C.
Protein change: p.Asp2164=; no amino-acid change (aspartic acid 2164 retained).
Molecular consequence: synonymous variant.
Genome position (GRCh38, 1-based): chr9:77,339,629, T>C. VCF-style: chr9-77339629-T-C. GRCh37 (hg19) VCF-style: chr9-79954545-T-C.
Other names: p.Asp2164=; c.6375T>C, p.Asp2125= (NM_001018037.2); c.6492T>C, p.Asp2164= (NM_001018038.3, NM_015186.4).
Identifiers: ClinVar variation 367402 (VCV000367402.25), dbSNP rs7025532, ClinGen allele CA5093057.